The following is an entry in ClinVar:

NM_001436401.1(NOBOX):c.38-292G>A

Gene: NOBOX (NOBOX oogenesis homeobox; minus strand). Cytogenetic location: 7q35.
Variant type: single nucleotide variant.
Coding change: c.38-292G>A on transcript NM_001436401.1 (MANE Select); 292 bases into the intron before coding-DNA position 38, G replaced by A.
Molecular consequence: intron variant.
Genome position (GRCh38, 1-based): chr7:144,401,889, C>T on the plus strand (G>A on the coding strand, the complement: NOBOX is on the minus strand). VCF-style: chr7-144401889-C-T. GRCh37 (hg19) VCF-style: chr7-144098982-C-T.
Other names: NM_001080413.3:c.272G>A; c.38-1577G>A (NM_001436402.1).
Identifiers: ClinVar variation 3367255 (VCV003367255.1).

ClinVar aggregate classification (germline): Uncertain significance (1 of 4 stars; one submission).

gnomAD v4.1: 1 of 1,611,484 alleles (0.000062%); highest among the groups gnomAD compares: Non-Finnish European, 0.000085%; no homozygotes.

Submission:

GeneDx
Classification: Uncertain significance. Last evaluated: 2023-12-27. Review status: criteria provided, single submitter. Criteria: GeneDx Variant Classification Process June 2021. Collection method: clinical testing. Allele origin: germline. Affected: yes.
Comment: Not observed at significant frequency in large population cohorts (gnomAD); In silico analysis supports that this missense variant does not alter protein structure/function; Has not been previously published as pathogenic or benign to our knowledge